The following is an entry in ClinVar:

ClinVar aggregate classification (germline): Uncertain significance (1 of 4 stars; one submission).

Conditions:
Charcot-Marie-Tooth disease axonal type 2O. Also called: CHARCOT-MARIE-TOOTH NEUROPATHY, AXONAL, TYPE 2O; CHARCOT-MARIE-TOOTH DISEASE, AXONAL, AUTOSOMAL DOMINANT, TYPE 2O; Charcot-Marie-Tooth Neuropathy Type 2O; Charcot-Marie-Tooth disease, axonal, type 20. Identifiers: Orphanet 284232, MedGen C3280220, MONDO:0013644, OMIM 614228.

Submission:

Labcorp Genetics (formerly Invitae), Labcorp
Classification: Uncertain significance for Charcot-Marie-Tooth disease axonal type 2O. Last evaluated: 2024-06-09. Review status: criteria provided, single submitter. Criteria: Invitae Variant Classification Sherloc (09022015). Collection method: clinical testing. Allele origin: germline.
Comment: This sequence change replaces arginine, which is basic and polar, with glutamine, which is neutral and polar, at codon 3078 of the DYNC1H1 protein (p.Arg3078Gln). This variant is not present in population databases (gnomAD no frequency). This variant has not been reported in the literature in individuals affected with DYNC1H1-related conditions. Advanced modeling of protein sequence and biophysical properties (such as structural, functional, and spatial information, amino acid conservation, physicochemical variation, residue mobility, and thermodynamic stability) performed at Invitae indicates that this missense variant is expected to disrupt DYNC1H1 protein function with a positive predictive value of 95%. In summary, the available evidence is currently insufficient to determine the role of this variant in disease. Therefore, it has been classified as a Variant of Uncertain Significance.

NM_001376.5(DYNC1H1):c.9233G>A (p.Arg3078Gln)

Genes: DYNC1H1 (dynein cytoplasmic 1 heavy chain 1; plus strand), LOC126862060 (BRD4-independent group 4 enhancer GRCh37_chr14:102493659-102494858; plus strand). Cytogenetic location: 14q32.31.
Variant type: single nucleotide variant.
Coding change: c.9233G>A on transcript NM_001376.5 (MANE Select); coding-DNA position 9233, G replaced by A.
Protein change: p.Arg3078Gln; replaces arginine 3078 with glutamine.
Molecular consequence: missense variant.
Genome position (GRCh38, 1-based): chr14:102,027,803, G>A. VCF-style: chr14-102027803-G-A. GRCh37 (hg19) VCF-style: chr14-102494140-G-A.
Other names: short protein forms R3078Q.
Identifiers: ClinVar variation 3700613 (VCV003700613.2).